The following is an entry in ClinVar:

NM_020686.6(ABAT):c.1433T>C (p.Leu478Pro)

Gene: ABAT (4-aminobutyrate aminotransferase; plus strand). Cytogenetic location: 16p13.2.
Variant type: single nucleotide variant.
Coding change: c.1433T>C on transcript NM_020686.6 (MANE Select); coding-DNA position 1433, T replaced by C.
Protein change: p.Leu478Pro; replaces leucine 478 with proline.
Molecular consequence: missense variant.
Genome position (GRCh38, 1-based): chr16:8,781,360, T>C. VCF-style: chr16-8781360-T-C. GRCh37 (hg19) VCF-style: chr16-8875217-T-C.
Other names: c.1529T>C, p.Leu510Pro (NM_001386615.1); c.1492T>C, p.Trp498Arg (NM_001386616.1); c.1433T>C, p.Leu478Pro (NM_000663.5, NM_001127448.2, NM_001386600.1 and 4 more transcripts); c.1394T>C, p.Leu465Pro (NM_001386605.1); c.1370T>C, p.Leu457Pro (NM_001386606.1, NM_001386607.1); c.1340T>C, p.Leu447Pro (NM_001386608.1); c.1321T>C, p.Trp441Arg (NM_001386609.1); c.1298T>C, p.Leu433Pro (NM_001386610.1, NM_001386611.1); and 2 more; short protein forms L478P, L396P, L412P, L433P, L447P, L457P, L465P, L510P.
Identifiers: ClinVar variation 162035 (VCV000162035.3), dbSNP rs724159991, ClinGen allele CA175088.

ClinVar aggregate classification (germline): Pathogenic. Review status: criteria provided, single submitter (1 of 4 stars). 2 submissions from 2 submitters: Pathogenic (1). 1 of the submissions does not count toward it. Last evaluated 2014-01-01.

Conditions:
Gamma-aminobutyric acid transaminase deficiency (GABATD). Also called: GABA aminotransaminase deficiency; GABA transaminase deficiency; Gamma aminobutyrate transaminase deficiency; 4 alpha aminobutyrate transaminase deficiency. Identifiers: Orphanet 2066, MedGen C0342708, MONDO:0013166, OMIM 613163.

Submissions (2):

Bonnen Lab, Baylor College of Medicine
Classification: Pathogenic for Gamma-aminobutyric acid transaminase deficiency. Last evaluated: 2014-01-01. Review status: criteria provided, single submitter. Criteria: Submitter's publication. Collection method: research. Allele origin: germline. Inheritance: Autosomal recessive inheritance. Affected: yes. Observed: 1 variant allele, 1 compound heterozygote.
Comment: clinical and in vitro studies

OMIM
Classification: Pathogenic for GABA-TRANSAMINASE DEFICIENCY. Last evaluated: 2010-02-01. Review status: no assertion criteria provided. Collection method: literature only. Allele origin: germline. Not counted in ClinVar's aggregate classification.

Literature cited by the submitters: PubMed 20052547 (cited by Bonnen Lab, Baylor College of Medicine and OMIM).